The following is an entry in ClinVar:

ClinVar aggregate classification (germline): Uncertain significance (1 of 4 stars; one submission).

Conditions:
Familial acute necrotizing encephalopathy (IIAE3). Also called: ENCEPHALOPATHY, ACUTE, INFECTION-INDUCED, SUSCEPTIBILITY TO, 3; Susceptibility to Acute Necrotizing Encephalopathy 1. Identifiers: Orphanet 88619, MedGen C2675556, MONDO:0011953, OMIM 608033.

Allele frequency attached by ClinVar (database versions not stated): TOPMed 0.00001.

Submission:

Labcorp Genetics (formerly Invitae), Labcorp
Classification: Uncertain significance for Familial acute necrotizing encephalopathy. Last evaluated: 2022-11-23. Review status: criteria provided, single submitter. Criteria: Invitae Variant Classification Sherloc (09022015). Collection method: clinical testing. Allele origin: germline.
Comment: In summary, the available evidence is currently insufficient to determine the role of this variant in disease. Therefore, it has been classified as a Variant of Uncertain Significance. Algorithms developed to predict the effect of missense changes on protein structure and function output the following: SIFT: "Deleterious"; PolyPhen-2: "Benign"; Align-GVGD: "Class C25". The arginine amino acid residue is found in multiple mammalian species, which suggests that this missense change does not adversely affect protein function. This variant has not been reported in the literature in individuals affected with RANBP2-related conditions. This variant is not present in population databases (gnomAD no frequency). This sequence change replaces lysine, which is basic and polar, with arginine, which is basic and polar, at codon 567 of the RANBP2 protein (p.Lys567Arg).

NM_006267.5(RANBP2):c.1700A>G (p.Lys567Arg)

Gene: RANBP2 (RAN binding protein 2; plus strand). Cytogenetic location: 2q13.
Variant type: single nucleotide variant.
Coding change: c.1700A>G on transcript NM_006267.5 (MANE Select); coding-DNA position 1700, A replaced by G.
Protein change: p.Lys567Arg; replaces lysine 567 with arginine.
Molecular consequence: missense variant.
Genome position (GRCh38, 1-based): chr2:108,751,939, A>G. VCF-style: chr2-108751939-A-G. GRCh37 (hg19) VCF-style: chr2-109368395-A-G.
Other names: c.1700A>G, p.Lys567Arg (NM_001415873.1, NM_001415871.1); c.1697A>G, p.Lys566Arg (NM_001415872.1); short protein forms K567R, K566R.
Identifiers: ClinVar variation 2730976 (VCV002730976.3), dbSNP rs1164642348, ClinGen allele CA348050255.
Genomic context (GRCh38, chr2:108,751,939, plus strand): 5'-ACGTAGCAAAATTGAGACTTCTAGTTCAGCATGAAATAAACACTCTAAGAGCCCAGGAAA[A>G]ACATGGCCTTCAACCTGCTCTGCTTGTACATTGGGCAGAATGCCTTCAGAAAACGGTGAG-3'
Protein context (NP_006258.3, residues 557-577): HEINTLRAQE[Lys567Arg]HGLQPALLVH